The following is an entry in ClinVar:

NM_001360016.2(G6PD):c.655A>G (p.Arg219Gly)

Gene: G6PD (glucose-6-phosphate dehydrogenase; minus strand). Cytogenetic location: Xq28.
Variant type: single nucleotide variant.
Coding change: c.655A>G on transcript NM_001360016.2 (MANE Select); coding-DNA position 655, A replaced by G.
Protein change: p.Arg219Gly; replaces arginine 219 with glycine.
Molecular consequence: missense variant.
Genome position (GRCh38, 1-based): chrX:154,534,150, T>C on the plus strand (A>G on the coding strand, the complement: G6PD is on the minus strand). VCF-style: chrX-154534150-T-C. GRCh37 (hg19) VCF-style: chrX-153762365-T-C.
Other names: G6PD Meyer; c.745A>G, p.Arg249Gly (NM_000402.4); c.655A>G, p.Arg219Gly (NM_001042351.3); c.655A>G (NM_001042351.1); short protein forms R219G, R249G.
Identifiers: ClinVar variation 2628098 (VCV002628098.3), dbSNP rs2523266966, ClinGen allele CA415236854.

ClinVar aggregate classification (germline): Likely pathogenic. Review status: criteria provided, multiple submitters, no conflicts (2 of 4 stars). 2 submissions from 2 submitters: Likely pathogenic (2). Last evaluated 2024-09-01.

Conditions:
Anemia, nonspherocytic hemolytic, due to G6PD deficiency (CNSHA1). Also called: ANEMIA, CONGENITAL, NONSPHEROCYTIC HEMOLYTIC, 1; Class I glucose-6-phosphate dehydrogenase deficiency; Favism, susceptibility to; Hemolytic anemia due to G6PD deficiency. Identifiers: Orphanet 466026, MedGen C2720289, MONDO:0010480, OMIM 300908.

Submissions (2):

Dunham Lab, University of Washington
Classification: Likely pathogenic for Anemia, nonspherocytic hemolytic, due to G6PD deficiency. Last evaluated: 2024-09-01. Review status: criteria provided, single submitter. Criteria: ACMG Guidelines, 2015. Collection method: curation. Allele origin: inherited. Affected: yes.
Comment: No detectable activity reported in RBCs of heizygote; when expressed in E. coli, has reduced kcat, Tm, and is more readily degraded (PS3). Amino acid change was predicted pathogenic by SIFT, PolyPhen, Mutation Taster, and CADD (PP3). Not found in gnomAD (PM2). Post_P 0.988 (odds of pathogenicity 728.7, Prior_P 0.1).

Center of Genomic medicine, Geneva, University Hospital of Geneva
Classification: Likely pathogenic for Anemia, nonspherocytic hemolytic, due to G6PD deficiency. Last evaluated: 2023-07-05. Review status: criteria provided, single submitter. Criteria: ACMG Guidelines, 2015. Collection method: clinical testing. Allele origin: maternal. Inheritance: X-linked inheritance. Affected: yes. Observed: 1 hemizygote.
Comment: Published functional studies have shown that this variant causes a decrease in the enzymatic activity by 50 times. This variant is localized in the dimerization domain, which is crucial for its activity, as described in Gómez-Manzo S et al. PMID: 27941691.

Literature cited by the submitters: PubMed 38066190 (cited by Dunham Lab, University of Washington and Center of Genomic medicine, Geneva, University Hospital of Geneva); PubMed 27941691 (cited by Center of Genomic medicine, Geneva, University Hospital of Geneva).